The following is an entry in ClinVar:

NM_000441.2(SLC26A4):c.416-2A>C

Gene: SLC26A4 (solute carrier family 26 member 4; plus strand). Cytogenetic location: 7q22.3.
Variant type: single nucleotide variant.
Coding change: c.416-2A>C on transcript NM_000441.2 (MANE Select); the canonical splice acceptor site of the intron before coding-DNA position 416, A replaced by C.
Molecular consequence: splice acceptor variant.
Genome position (GRCh38, 1-based): chr7:107,674,162, A>C. VCF-style: chr7-107674162-A-C. GRCh37 (hg19) VCF-style: chr7-107314607-A-C.
Identifiers: ClinVar variation 2788283 (VCV002788283.3), dbSNP rs2535296231, ClinGen allele CA368847769.

ClinVar aggregate classification (germline): Likely pathogenic (1 of 4 stars; one submission).

Submission:

Labcorp Genetics (formerly Invitae), Labcorp
Classification: Likely pathogenic. Last evaluated: 2023-05-19. Review status: criteria provided, single submitter. Criteria: Invitae Variant Classification Sherloc (09022015). Collection method: clinical testing. Allele origin: germline.
Comment: In summary, the currently available evidence indicates that the variant is pathogenic, but additional data are needed to prove that conclusively. Therefore, this variant has been classified as Likely Pathogenic. This sequence change affects an acceptor splice site in intron 4 of the SLC26A4 gene. It is expected to disrupt RNA splicing. Variants that disrupt the donor or acceptor splice site typically lead to a loss of protein function (PMID: 16199547), and loss-of-function variants in SLC26A4 are known to be pathogenic (PMID: 16283880, 25394566, 26252218, 26445815). This variant is not present in population databases (gnomAD no frequency). This variant has not been reported in the literature in individuals affected with SLC26A4-related conditions. Algorithms developed to predict the effect of sequence changes on RNA splicing suggest that this variant may disrupt the consensus splice site.

Literature cited by the submitters: PubMed 16199547; PubMed 16283880; PubMed 25394566; PubMed 26252218; PubMed 26445815.